The following is an entry in ClinVar:

NM_016529.6(ATP8A2):c.2582A>G (p.Glu861Gly)

Gene: ATP8A2 (ATPase phospholipid transporting 8A2). Cytogenetic location: 13q12.13.
Variant type: single nucleotide variant.
Coding change: c.2582A>G on transcript NM_016529.6 (MANE Select); coding-DNA position 2582, A replaced by G.
Protein change: p.Glu861Gly; replaces glutamic acid 861 with glycine.
Molecular consequence: missense variant.
Genome position (GRCh38, 1-based): chr13:25,774,862, A>G. VCF-style: chr13-25774862-A-G. GRCh37 (hg19) VCF-style: chr13-26349000-A-G.
Other names: c.2462A>G, p.Glu821Gly (NM_001313741.1); c.2582A>G (NM_016529.4); short protein forms E861G, E821G.
Identifiers: ClinVar variation 1514646 (VCV001514646.7), dbSNP rs2044706401, ClinGen allele CA387681452.

ClinVar aggregate classification (germline): Uncertain significance. Review status: criteria provided, multiple submitters, no conflicts (2 of 4 stars). 2 submissions from 2 submitters: Uncertain significance (2). Last evaluated 2025-12-04.

Conditions:
Inborn genetic diseases. Identifiers: MedGen C0950123, MeSH D030342.

Allele frequency attached by ClinVar (database versions not stated): TOPMed 0.00001.

Submissions (2):

Ambry Genetics
Classification: Uncertain significance for Inborn genetic diseases. Last evaluated: 2025-12-04. Review status: criteria provided, single submitter. Criteria: Ambry Variant Classification Scheme 2023. Collection method: clinical testing. Allele origin: germline.

Labcorp Genetics (formerly Invitae), Labcorp
Classification: Uncertain significance. Last evaluated: 2023-08-04. Review status: criteria provided, single submitter. Criteria: Invitae Variant Classification Sherloc (09022015). Collection method: clinical testing. Allele origin: germline.
Comment: ClinVar contains an entry for this variant (Variation ID: 1514646). Advanced modeling of protein sequence and biophysical properties (such as structural, functional, and spatial information, amino acid conservation, physicochemical variation, residue mobility, and thermodynamic stability) performed at Invitae indicates that this missense variant is not expected to disrupt ATP8A2 protein function. In summary, the available evidence is currently insufficient to determine the role of this variant in disease. Therefore, it has been classified as a Variant of Uncertain Significance. This variant has not been reported in the literature in individuals affected with ATP8A2-related conditions. This sequence change replaces glutamic acid, which is acidic and polar, with glycine, which is neutral and non-polar, at codon 861 of the ATP8A2 protein (p.Glu861Gly). This variant is not present in population databases (gnomAD no frequency).